The following is an entry in ClinVar:

NM_003742.4(ABCB11):c.3359G>T (p.Ser1120Ile)

Gene: ABCB11 (ATP binding cassette subfamily B member 11; minus strand). Cytogenetic location: 2q31.1.
Variant type: single nucleotide variant.
Coding change: c.3359G>T on transcript NM_003742.4 (MANE Select); coding-DNA position 3359, G replaced by T.
Protein change: p.Ser1120Ile; replaces serine 1120 with isoleucine.
Molecular consequence: missense variant.
Genome position (GRCh38, 1-based): chr2:168,930,717, C>A on the plus strand (G>T on the coding strand, the complement: ABCB11 is on the minus strand). VCF-style: chr2-168930717-C-A. GRCh37 (hg19) VCF-style: chr2-169787227-C-A.
Other names: short protein forms S1120I.
Identifiers: ClinVar variation 2809928 (VCV002809928.4), dbSNP rs1436681091, ClinGen allele CA349121136.
Genomic context (GRCh38, chr2:168,930,717, plus strand): 5'-TGGCTTACCACCTTCCCTTGATCAGGATCATAGAAACGTTCCAACAGCTGAATGCTAGTG[C>A]TTTTGCCACATCCACTGCTCCCAACAAACGCCAGTGTCTGCCCTGGACTAATCGACACTG-3'
Protein context (NP_003733.2, residues 1110-1130): AFVGSSGCGK[Ser1120Ile]TSIQLLERFY

ClinVar aggregate classification (germline): Uncertain significance. Review status: criteria provided, multiple submitters, no conflicts (2 of 4 stars). 2 submissions from 2 submitters: Uncertain significance (2). Last evaluated 2026-04-20.

Conditions:
Benign recurrent intrahepatic cholestasis type 2 (BRIC2). Also called: Recurrent familial intrahepatic cholestasis 2. Identifiers: Orphanet 65682, Orphanet 99961, MedGen C2608083, MONDO:0011559, OMIM 605479.

Submissions (2):

Victorian Clinical Genetics Services, Murdoch Childrens Research Institute
Classification: Uncertain significance for Benign recurrent intrahepatic cholestasis type 2. Last evaluated: 2026-04-20. Review status: criteria provided, single submitter. Criteria: ACMG Guidelines, 2015. Collection method: clinical testing. Allele origin: germline. Affected: yes.
Comment: This variant is classified as VUS-3A. Evidence in support of pathogenic classification: Variant is absent from gnomAD (v2, v3 and v4); Another missense variant comparable to the one identified in this case has limited previous evidence for pathogenicity. p.(Ser1120Asn) has been reported in an individual with progressive familial intrahepatic cholestasis as compound heterozygous with c.908+1G>C (PMID: 28733223); Missense variant predicted to be damaging by in silico tool(s) or highly conserved with a major amino acid change. Additional information: Variant is predicted to result in a missense amino acid change from Ser to Ile; This variant is homozygous; This gene is associated with autosomal recessive disease; Alternative amino acid change(s) at the same position are present in gnomAD (highest allele count: v4: 7 heterozygote(s), 0 homozygote(s)); This variant has no previous evidence of pathogenicity; No published evidence of segregation with disease has been identified for this variant; No published functional evidence has been identified for this variant; Variant is located in the annotated ABC transporter domain where it may disrupt the ATP-binding site and Walker-A motif (DECIPHER, NCBI, PMID 37949847); Loss of function is a known mechanism of disease in this gene and is associated with cholestasis, benign recurrent intrahepatic, 2 (MIM#605479) and cholestasis, progressive familial intrahepatic 2 (MIM#601847); Inheritance information for this variant is not currently available in this individual.

Labcorp Genetics (formerly Invitae), Labcorp
Classification: Uncertain significance. Last evaluated: 2022-10-27. Review status: criteria provided, single submitter. Criteria: Invitae Variant Classification Sherloc (09022015). Collection method: clinical testing. Allele origin: germline.
Comment: In summary, the available evidence is currently insufficient to determine the role of this variant in disease. Therefore, it has been classified as a Variant of Uncertain Significance. Advanced modeling of protein sequence and biophysical properties (such as structural, functional, and spatial information, amino acid conservation, physicochemical variation, residue mobility, and thermodynamic stability) performed at Invitae indicates that this missense variant is expected to disrupt ABCB11 protein function. This variant has not been reported in the literature in individuals affected with ABCB11-related conditions. This variant is not present in population databases (gnomAD no frequency). This sequence change replaces serine, which is neutral and polar, with isoleucine, which is neutral and non-polar, at codon 1120 of the ABCB11 protein (p.Ser1120Ile).

Literature cited by the submitters: PubMed 28733223 (cited by Victorian Clinical Genetics Services, Murdoch Childrens Research Institute).